The following is an entry in ClinVar:

ClinVar aggregate classification (germline): Conflicting classifications of pathogenicity. Review status: criteria provided, conflicting classifications (1 of 4 stars). 13 submissions from 13 submitters: Uncertain significance (9); Likely benign (2). 2 of the submissions do not count toward it. Last evaluated 2026-06-23.

Conditions:
DHCR7-related disorder. Also called: DHCR7-related condition.
Inborn genetic diseases. Identifiers: MedGen C0950123, MeSH D030342.
Smith-Lemli-Opitz syndrome (SLOS). Also called: POLYDACTYLY, SEX REVERSAL, RENAL HYPOPLASIA, AND UNILOBAR LUNG; LETHAL ACRODYSGENITAL SYNDROME; RSH SYNDROME; RUTLEDGE LETHAL MULTIPLE CONGENITAL ANOMALY SYNDROME; 7-Dehydrocholesterol reductase deficiency. Identifiers: Orphanet 818, MedGen C0175694, MONDO:0010035, OMIM 270400.

Allele frequency attached by ClinVar (database versions not stated): TOPMed 0.00085; ESP Exome Variant Server 0.00077; gnomAD 0.00088 and 0.00093; gnomAD exomes 0.00115; 1000 Genomes Project 0.00020; 1000 Genomes Project 30x 0.00016; ExAC 0.00068.
gnomAD v4.1: 1,801 of 1,612,152 alleles (0.11%); highest among the groups gnomAD compares: Non-Finnish European, 0.14%; 2 homozygotes.

Submissions (13):

PreventionGenetics, part of Exact Sciences
Classification: Uncertain significance for DHCR7-related condition. Last evaluated: 2026-06-23. Review status: criteria provided, single submitter. Criteria: ACMG Guidelines, 2015. Collection method: clinical testing. Allele origin: germline.
Comment: The DHCR7 c.199G>A variant is predicted to result in the amino acid substitution p.Ala67Thr. This variant was reported in a patient with autism spectrum disorder (Table S2, Saskin et al. 2017. PubMed ID: 28250423) and in a patient with tubulointerstitial disease in conjunction with a second pathogenic variant, unknown phase (Table S7, Groopman et al. 2018. PubMed ID: 30586318). However, this variant is reported in 0.12% of alleles in individuals of European (Non-Finnish) descent in gnomAD, which may be too frequent to be a primary cause of disease. In ClinVar, this variant has conflicting interpretations, with recent classifications split between likely benign and uncertain significance (Variation ID: 93714). Although we suspect that this variant may be benign, the clinical significance of this variant is classified as uncertain due to the absence of conclusive functional and genetic evidence.

Labcorp Genetics (formerly Invitae), Labcorp
Classification: Likely benign for Smith-Lemli-Opitz syndrome. Last evaluated: 2026-01-28. Review status: criteria provided, single submitter. Criteria: Invitae Variant Classification Sherloc (09022015). Collection method: clinical testing. Allele origin: germline.

Baylor Genetics
Classification: Uncertain significance for Smith-Lemli-Opitz syndrome. Last evaluated: 2024-01-26. Review status: criteria provided, single submitter. Criteria: ACMG Guidelines, 2015. Collection method: clinical testing. Allele origin: unknown.

Women's Health and Genetics/Laboratory Corporation of America, LabCorp
Classification: Uncertain significance. Last evaluated: 2024-01-13. Review status: criteria provided, single submitter. Criteria: LabCorp Variant Classification Summary - May 2015. Collection method: clinical testing. Allele origin: germline.
Comment: Variant summary: DHCR7 c.199G>A (p.Ala67Thr) results in a non-conservative amino acid change in the encoded protein sequence. Three of five in-silico tools predict a damaging effect of the variant on protein function. The variant allele was found at a frequency of 0.0011 in 1612152 control chromosomes, predominantly at a frequency of 0.0014 within the Non-Finnish European subpopulation in the gnomAD database, including 2 homozygotes. This frequency is not significantly higher than estimated for a pathogenic variant in DHCR7 causing Smith-Lemli-Opitz Syndrome (0.0011 vs 0.0043), allowing no conclusion about variant significance. c.199G>A has been reported in the literature in unaffected controls and absent from a Smith-Lemli-Opitz Syndrome cohort (e.g. Witsch-Baumgartner_2001), or reported as VUS, benign, or a polymorphism in control individuals without autism (e.g. Saskin_2017, Cross_2015). These report(s) do not provide unequivocal conclusions about association of the variant with Smith-Lemli-Opitz Syndrome. To our knowledge, no experimental evidence demonstrating an impact on protein function has been reported. The following publications have been ascertained in the context of this evaluation (PMID: 38027204, 24813812, 28250423, 11241839). ClinVar contains an entry for this variant (Variation ID: 93714). Based on the evidence outlined above, the variant was classified as VUS-possibly benign.

Revvity Omics, Revvity
Classification: Uncertain significance for Smith-Lemli-Opitz syndrome. Last evaluated: 2023-08-23. Review status: criteria provided, single submitter. Criteria: ACMG Guidelines, 2015. Collection method: clinical testing. Allele origin: germline.

CeGaT Center for Human Genetics Tuebingen
Classification: Uncertain significance. Last evaluated: 2022-08-01. Review status: criteria provided, single submitter. Criteria: CeGaT Center For Human Genetics Tuebingen Variant Classification Criteria Version 2. Collection method: clinical testing. Allele origin: germline. Affected: yes. Observed: 1 variant allele.

New York Genome Center
Classification: Uncertain significance for Smith-Lemli-Opitz syndrome. Last evaluated: 2022-04-20. Review status: criteria provided, single submitter. Criteria: NYGC Assertion Criteria 2020. Collection method: clinical testing. Allele origin: inherited. Observed: 1 compound heterozygote. Study: PrenatalSEQ.
Comment: The inherited c.199G>A (p.Ala67Thr) missense variant identified in the DHCR7 gene has not been reported in individuals with SLOS in the literature, it is reported in an individual with autism (PMID: 28250423) and in a control in a study of patients with SLOS (PMID: 9653161). The variant has 0.0009007 allele frequency in the gnomAD(v3) database (137 out of 152110 heterozygous alleles, no homozygotes) suggesting it is not a common benign variant in the populations represented in that database. This variant has been reported in the ClinVar database as variant of uncertain significance (5 submissions) or likely benign (1 submissions) [Variation ID:93714]. The affected residue is not well conserved. In silico tools provide conflicting predictions about potential pathogenicity of this variant (CADD score = 21.5, REVEL score = 0.469). Based on the available evidence, the inherited c.199G>A (p.Ala67Thr) missense variant identified in the DHCR7 gene is reported as a Variant of Uncertain Significance.

Ambry Genetics
Classification: Uncertain significance for Inborn genetic diseases. Last evaluated: 2022-02-01. Review status: criteria provided, single submitter. Criteria: Ambry Variant Classification Scheme 2023. Collection method: clinical testing. Allele origin: germline.

GeneDx
Classification: Likely benign. Last evaluated: 2021-02-08. Review status: criteria provided, single submitter. Criteria: GeneDx Variant Classification Process June 2021. Collection method: clinical testing. Allele origin: germline. Affected: yes.
Comment: In silico analysis, which includes protein predictors and evolutionary conservation, supports that this variant does not alter protein structure/function; This variant is associated with the following publications: (PMID: 9653161, 28250423, 11241839)

Eurofins Ntd Llc (ga)
Classification: Uncertain significance. Last evaluated: 2018-06-05. Review status: criteria provided, single submitter. Criteria: EGL ClinVar v180209 classification definitions. Collection method: clinical testing. Allele origin: germline. Observed: 11 variant alleles, 11 heterozygotes.

Illumina Laboratory Services, Illumina
Classification: Uncertain significance for Smith-Lemli-Opitz syndrome. Last evaluated: 2018-01-13. Review status: criteria provided, single submitter. Criteria: ICSL Variant Classification Criteria 13 December 2019. Collection method: clinical testing. Allele origin: germline.

Gharavi Laboratory, Columbia University
Classification: Likely pathogenic. Last evaluated: 2018-09-16. Review status: no assertion criteria provided. Criteria: ACMG Guidelines, 2015. Collection method: research. Allele origin: germline. Affected: yes. Not counted in ClinVar's aggregate classification.

Counsyl
Classification: Uncertain significance for Smith-Lemli-Opitz syndrome. Last evaluated: 2018-05-15. Review status: no assertion criteria provided. Collection method: clinical testing. Allele origin: unknown. Not counted in ClinVar's aggregate classification.

Literature cited by the submitters: PubMed 11241839 (cited by Women's Health and Genetics/Laboratory Corporation of America, LabCorp); PubMed 28250423 (cited by Women's Health and Genetics/Laboratory Corporation of America, LabCorp and Ambry Genetics); PubMed 24813812 (cited by Women's Health and Genetics/Laboratory Corporation of America, LabCorp); PubMed 38027204 (cited by Women's Health and Genetics/Laboratory Corporation of America, LabCorp); PubMed 9653161 (cited by Ambry Genetics).

NM_001360.3(DHCR7):c.199G>A (p.Ala67Thr)

Gene: DHCR7 (7-dehydrocholesterol reductase; minus strand). Cytogenetic location: 11q13.4.
Variant type: single nucleotide variant.
Coding change: c.199G>A on transcript NM_001360.3 (MANE Select); coding-DNA position 199, G replaced by A.
Protein change: p.Ala67Thr; replaces alanine 67 with threonine.
Molecular consequence: missense variant.
Genome position (GRCh38, 1-based): chr11:71,444,115, C>T on the plus strand (G>A on the coding strand, the complement: DHCR7 is on the minus strand). VCF-style: chr11-71444115-C-T. GRCh37 (hg19) VCF-style: chr11-71155161-C-T.
Other names: c.199G>A, p.Ala67Thr (NM_001163817.2); short protein forms A67T.
Identifiers: ClinVar variation 93714 (VCV000093714.87), dbSNP rs143999854, ClinGen allele CA221662.